The following is an entry in ClinVar:

NM_004523.4(KIF11):c.613C>T (p.His205Tyr)

Gene: KIF11 (kinesin family member 11; plus strand). Cytogenetic location: 10q23.33.
Variant type: single nucleotide variant.
Coding change: c.613C>T on transcript NM_004523.4 (MANE Select); coding-DNA position 613, C replaced by T.
Protein change: p.His205Tyr; replaces histidine 205 with tyrosine.
Molecular consequence: missense variant.
Genome position (GRCh38, 1-based): chr10:92,609,424, C>T. VCF-style: chr10-92609424-C-T. GRCh37 (hg19) VCF-style: chr10-94369181-C-T.
Other names: short protein forms H205Y.
Identifiers: ClinVar variation 1010488 (VCV001010488.8), dbSNP rs773481246, ClinGen allele CA5604046.

ClinVar aggregate classification (germline): Uncertain significance (1 of 4 stars; one submission).

Allele frequency attached by ClinVar (database versions not stated): gnomAD exomes below 0.00001; ExAC 0.00001.
gnomAD v4.1: 2 of 1,612,992 alleles (0.00012%); highest among the groups gnomAD compares: East Asian, 0.0022%; no homozygotes.

Submission:

Labcorp Genetics (formerly Invitae), Labcorp
Classification: Uncertain significance. Last evaluated: 2020-02-07. Review status: criteria provided, single submitter. Criteria: Invitae Variant Classification Sherloc (09022015). Collection method: clinical testing. Allele origin: germline.
Comment: This sequence change replaces histidine with tyrosine at codon 205 of the KIF11 protein (p.His205Tyr). The histidine residue is highly conserved and there is a moderate physicochemical difference between histidine and tyrosine. This variant is present in population databases (rs773481246, ExAC 0.009%). This variant has been observed in individual(s) with familial exudative vitreoretinopathy (PMID: 30452590). Algorithms developed to predict the effect of missense changes on protein structure and function (SIFT, PolyPhen-2, Align-GVGD) all suggest that this variant is likely to be disruptive, but these predictions have not been confirmed by published functional studies and their clinical significance is uncertain. In summary, the available evidence is currently insufficient to determine the role of this variant in disease. Therefore, it has been classified as a Variant of Uncertain Significance.

Literature cited by the submitters: PubMed 30452590.